The following is an entry in ClinVar:

NM_001370259.2(MEN1):c.319C>G (p.Pro107Ala)

Gene: MEN1 (menin 1; minus strand). Cytogenetic location: 11q13.1.
Variant type: single nucleotide variant.
Coding change: c.319C>G on transcript NM_001370259.2 (MANE Select); coding-DNA position 319, C replaced by G.
Protein change: p.Pro107Ala; replaces proline 107 with alanine.
Molecular consequence: missense variant. On other transcripts: non-coding transcript variant (4).
Genome position (GRCh38, 1-based): chr11:64,809,791, G>C on the plus strand (C>G on the coding strand, the complement: MEN1 is on the minus strand). VCF-style: chr11-64809791-G-C. GRCh37 (hg19) VCF-style: chr11-64577263-G-C.
Other names: c.319C>G, p.Pro107Ala (NM_000244.4, NM_001370251.2, NM_001370260.2 and 20 more transcripts); short protein forms P107A.
Identifiers: ClinVar variation 2676504 (VCV002676504.4), dbSNP rs1358503577, ClinGen allele CA381187415.

ClinVar aggregate classification (germline): Uncertain significance. Review status: criteria provided, multiple submitters, no conflicts (2 of 4 stars). 3 submissions from 3 submitters: Uncertain significance (3). Last evaluated 2025-02-06.

Conditions:
Multiple endocrine neoplasia, type 1 (MEN1). Also called: MEN I; WERMER SYNDROME; Endocrine adenomatosis multiple; MEN 1; MEA I. Identifiers: Orphanet 652, MedGen C0025267, MeSH D018761, MONDO:0007540, OMIM 131100.
Hereditary cancer-predisposing syndrome. Also called: Tumor predisposition; Neoplastic Syndromes, Hereditary; Hereditary Cancer Syndrome; Hereditary neoplastic syndrome. Identifiers: Orphanet 140162, MedGen C0027672, MeSH D009386, MONDO:0015356.

Submissions (3):

Ambry Genetics
Classification: Uncertain significance for Hereditary cancer-predisposing syndrome. Last evaluated: 2025-02-06. Review status: criteria provided, single submitter. Criteria: Ambry Variant Classification Scheme 2023. Collection method: clinical testing. Allele origin: germline.
Comment: The p.P107A variant (also known as c.319C>G), located in coding exon 1 of the MEN1 gene, results from a C to G substitution at nucleotide position 319. The proline at codon 107 is replaced by alanine, an amino acid with highly similar properties. This amino acid position is conserved. In addition, the in silico prediction for this alteration is inconclusive. Based on the available evidence, the clinical significance of this variant remains unclear.

Labcorp Genetics (formerly Invitae), Labcorp
Classification: Uncertain significance for Multiple endocrine neoplasia, type 1. Last evaluated: 2024-05-31. Review status: criteria provided, single submitter. Criteria: Invitae Variant Classification Sherloc (09022015). Collection method: clinical testing. Allele origin: germline.
Comment: This sequence change replaces proline, which is neutral and non-polar, with alanine, which is neutral and non-polar, at codon 107 of the MEN1 protein (p.Pro107Ala). This variant is not present in population databases (gnomAD no frequency). This variant has not been reported in the literature in individuals affected with MEN1-related conditions. Advanced modeling of protein sequence and biophysical properties (such as structural, functional, and spatial information, amino acid conservation, physicochemical variation, residue mobility, and thermodynamic stability) performed at Invitae indicates that this missense variant is expected to disrupt MEN1 protein function with a positive predictive value of 95%. In summary, the available evidence is currently insufficient to determine the role of this variant in disease. Therefore, it has been classified as a Variant of Uncertain Significance.

Baylor Genetics
Classification: Uncertain significance for Multiple Endocrine Neoplasia Type 1. Last evaluated: 2023-09-20. Review status: criteria provided, single submitter. Criteria: ACMG Guidelines, 2015. Collection method: clinical testing. Allele origin: unknown.